The following is an entry in ClinVar:

ClinVar aggregate classification (germline): Uncertain significance (1 of 4 stars; one submission).

Conditions:
Amyotrophic lateral sclerosis type 21. Also called: VOCAL CORD AND PHARYNGEAL DYSFUNCTION WITH DISTAL MYOPATHY; MYOPATHY, DISTAL, 2. Identifiers: Orphanet 600, Orphanet 803, MedGen C3807521, MONDO:0011632, OMIM 606070.

gnomAD v4.1: 3 of 1,548,350 alleles (0.00019%); highest among the groups gnomAD compares: South Asian, 0.0034%; no homozygotes.

Submission:

Labcorp Genetics (formerly Invitae), Labcorp
Classification: Uncertain significance for Amyotrophic lateral sclerosis type 21. Last evaluated: 2025-04-14. Review status: criteria provided, single submitter. Criteria: Invitae Variant Classification Sherloc (09022015). Collection method: clinical testing. Allele origin: germline.
Comment: This sequence change falls in intron 8 of the MATR3 gene. It does not directly change the encoded amino acid sequence of the MATR3 protein. It affects a nucleotide within the consensus splice site. This variant is present in population databases (rs568749202, gnomAD 0.003%). This variant has not been reported in the literature in individuals affected with MATR3-related conditions. ClinVar contains an entry for this variant (Variation ID: 3688676). Variants that disrupt the consensus splice site are a relatively common cause of aberrant splicing (PMID: 17576681, 9536098). Algorithms developed to predict the effect of sequence changes on RNA splicing suggest that this variant is not likely to affect RNA splicing. In summary, the available evidence is currently insufficient to determine the role of this variant in disease. Therefore, it has been classified as a Variant of Uncertain Significance.

Literature cited by the submitters: PubMed 17576681; PubMed 9536098.

NM_018834.6(MATR3):c.1129+6T>C

Gene: MATR3 (matrin 3; plus strand). Cytogenetic location: 5q31.2.
Variant type: single nucleotide variant.
Coding change: c.1129+6T>C on transcript NM_018834.6 (MANE Select); 6 bases into the intron after coding-DNA position 1129, T replaced by C.
Molecular consequence: intron variant.
Genome position (GRCh38, 1-based): chr5:139,316,194, T>C. VCF-style: chr5-139316194-T-C. GRCh37 (hg19) VCF-style: chr5-138651883-T-C.
Other names: c.1129+6T>C (NM_001400451.1, NM_001400450.1, NM_001400441.1 and 16 more transcripts); c.268+6T>C (NM_001400459.1); c.115+6T>C (NM_001400463.1, NM_001400460.1, NM_001282278.2 and 5 more transcripts); c.229+6T>C (NM_001400461.1); c.265+6T>C (NM_001194956.2).
Identifiers: ClinVar variation 3688676 (VCV003688676.2).